The following is an entry in ClinVar:

NM_012330.4(KAT6B):c.3226G>A (p.Glu1076Lys)

Gene: KAT6B (lysine acetyltransferase 6B; plus strand). Cytogenetic location: 10q22.2.
Variant type: single nucleotide variant.
Coding change: c.3226G>A on transcript NM_012330.4 (MANE Select); coding-DNA position 3226, G replaced by A.
Protein change: p.Glu1076Lys; replaces glutamic acid 1076 with lysine.
Molecular consequence: missense variant.
Genome position (GRCh38, 1-based): chr10:75,022,085, G>A. VCF-style: chr10-75022085-G-A. GRCh37 (hg19) VCF-style: chr10-76781843-G-A.
Other names: c.2677G>A, p.Glu893Lys (NM_001256468.2, NM_001370138.1); c.2350G>A, p.Glu784Lys (NM_001256469.2, NM_001370139.1, NM_001370140.1 and 2 more transcripts); c.2188G>A, p.Glu730Lys (NM_001370132.1); c.1537G>A, p.Glu513Lys (NM_001370133.1); c.1141G>A, p.Glu381Lys (NM_001370134.1); c.883G>A, p.Glu295Lys (NM_001370135.1); c.3226G>A, p.Glu1076Lys (NM_001370136.1, NM_001370137.1); c.2161G>A, p.Glu721Lys (NM_001370143.1, NM_001370144.1); and 1 more; short protein forms E1076K, E295K, E381K, E513K, E721K, E730K, E784K, E893K.
Identifiers: ClinVar variation 1543197 (VCV001543197.10), dbSNP rs750930283, ClinGen allele CA5564752.
Genomic context (GRCh38, chr10:75,022,085, plus strand): 5'-GGGGAGCGAGGGCAGCTGCTGGAGCTGTCTAAAGAGAGCAGTGAAGAAGAAGAGGAGGAG[G>A]AGGACGAGGAGGAGGAAGAAGAGGAGGAAGAAGAGGAAGAGGATGAAGAGGAGGAAGAAG-3'
Protein context (NP_036462.2, residues 1066-1086): KESSEEEEEE[Glu1076Lys]DEEEEEEEEE

ClinVar aggregate classification (germline): Conflicting classifications of pathogenicity. Review status: criteria provided, conflicting classifications (1 of 4 stars). 4 submissions from 4 submitters: Uncertain significance (2); Benign (1); Likely benign (1). Last evaluated 2025-10-06.

Conditions:
KAT6B-related disorder. Also called: KAT6B-related disorders; KAT6B-related condition.
Inborn genetic diseases. Identifiers: MedGen C0950123, MeSH D030342.
Genitopatellar syndrome (GTPTS). Also called: ABSENT PATELLAE, SCROTAL HYPOPLASIA, RENAL ANOMALIES, FACIAL DYSMORPHISM, AND MENTAL RETARDATION; Genitopatellar syndrome (GPS). Identifiers: Orphanet 85201, MedGen C1853566, MONDO:0011640, OMIM 606170.
Blepharophimosis - intellectual disability syndrome, SBBYS type (SBBYSS). Also called: Say-Barber-Biesecker-Young-Simpson variant of Ohdo Syndrome; Say-Barber-Biesecker Variant of Ohdo Syndrome; Young Simpson syndrome; Mental retardation unusual facies hypothyroidism; Say-Barber-Biesecker variant of Ohdo syndrome (SBBYSS); Say-Barber-Biesecker-Young-Simpson syndrome. Identifiers: Orphanet 3047, MedGen C1863557, MONDO:0011365, OMIM 603736.

Allele frequency attached by ClinVar (database versions not stated): ExAC 0.00001; gnomAD 0.00001; gnomAD exomes 0.00001 and 0.00004; TOPMed 0.00005.

Submissions (4):

Ambry Genetics
Classification: Likely benign for Inborn genetic diseases. Last evaluated: 2025-10-06. Review status: criteria provided, single submitter. Criteria: Ambry Variant Classification Scheme 2023. Collection method: clinical testing. Allele origin: germline.

PreventionGenetics, part of Exact Sciences
Classification: Uncertain significance for KAT6B-related condition. Last evaluated: 2024-12-23. Review status: criteria provided, single submitter. Criteria: ACMG Guidelines, 2015. Collection method: clinical testing. Allele origin: germline.
Comment: The KAT6B c.3226G>A variant is predicted to result in the amino acid substitution p.Glu1076Lys. To our knowledge, this variant has not been reported in the literature. This variant is reported in 0.028% of alleles in individuals of Latino descent in gnomAD. At this time, the clinical significance of this variant is uncertain due to the absence of conclusive functional and genetic evidence.

Labcorp Genetics (formerly Invitae), Labcorp
Classification: Benign for Genitopatellar syndrome. Last evaluated: 2024-08-12. Review status: criteria provided, single submitter. Criteria: Invitae Variant Classification Sherloc (09022015). Collection method: clinical testing. Allele origin: germline.

Fulgent Genetics
Classification: Uncertain significance for Blepharophimosis - intellectual disability syndrome, SBBYS type; Genitopatellar syndrome. Last evaluated: 2024-05-18. Review status: criteria provided, single submitter. Criteria: ACMG Guidelines, 2015. Collection method: clinical testing. Allele origin: germline.